The following is an entry in ClinVar:

NM_001105206.3(LAMA4):c.1020C>T (p.Asn340=)

Gene: LAMA4 (laminin subunit alpha 4; minus strand). Cytogenetic location: 6q21.
Variant type: single nucleotide variant.
Coding change: c.1020C>T on transcript NM_001105206.3 (MANE Select); coding-DNA position 1020, C replaced by T.
Protein change: p.Asn340=; no amino-acid change (asparagine 340 retained).
Molecular consequence: synonymous variant.
Genome position (GRCh38, 1-based): chr6:112,185,294, G>A on the plus strand (C>T on the coding strand, the complement: LAMA4 is on the minus strand). VCF-style: chr6-112185294-G-A. GRCh37 (hg19) VCF-style: chr6-112506496-G-A.
Other names: c.999C>T, p.Asn333= (NM_001105207.3, NM_002290.5); c.999C>T (LRG_433t2).
Identifiers: ClinVar variation 474185 (VCV000474185.21), dbSNP rs147822567, ClinGen allele CA3965920.
Genomic context (GRCh38, chr6:112,185,294, plus strand): 5'-TACCTTTTCAACTAATTCCTCTACGTCAGACAGAAGGCTTTTCATCGTGTTCTCAGCATT[G>A]TTGATTTGTATCTTTCTTAGGGCGTATTGGTTTTCTCTTTCTGACAATTTTGTCTGCAGA-3'
Protein context (NP_001098676.2, residues 330-350): NQYALRKIQI[Asn340=]NAENTMKSLL

ClinVar aggregate classification (germline): Benign/Likely benign. Review status: criteria provided, multiple submitters, no conflicts (2 of 4 stars). 7 submissions from 7 submitters: Benign (1); Likely benign (2). 4 of the submissions do not count toward it. Last evaluated 2025-12-19.

Conditions:
Cardiovascular phenotype. Identifiers: MedGen CN230736.
LAMA4-related disorder. Also called: LAMA4-related condition.
Dilated cardiomyopathy 1JJ (CMD1JJ). Identifiers: Orphanet 154, MedGen C3808935, MONDO:0014095, OMIM 615235.

Allele frequency attached by ClinVar (database versions not stated): gnomAD 0.00006 and 0.00016; TOPMed 0.00009; ESP Exome Variant Server 0.00023; gnomAD exomes 0.00026 and 0.00056; ExAC 0.00059; 1000 Genomes Project 30x 0.00094; 1000 Genomes Project 0.00100.
gnomAD v4.1: 413 of 1,613,606 alleles (0.026%); highest among the groups gnomAD compares: South Asian, 0.3%; 5 homozygotes.

Submissions (7):

Labcorp Genetics (formerly Invitae), Labcorp
Classification: Benign for Dilated cardiomyopathy 1JJ. Last evaluated: 2025-12-19. Review status: criteria provided, single submitter. Criteria: Invitae Variant Classification Sherloc (09022015). Collection method: clinical testing. Allele origin: germline.

Ambry Genetics
Classification: Likely benign for Cardiovascular phenotype. Last evaluated: 2022-05-20. Review status: criteria provided, single submitter. Criteria: Ambry Variant Classification Scheme 2023. Collection method: clinical testing. Allele origin: germline.

GeneDx
Classification: Likely benign. Last evaluated: 2018-02-02. Review status: criteria provided, single submitter. Criteria: GeneDx Variant Classification (06012015). Collection method: clinical testing. Allele origin: germline. Affected: yes.
Comment: This variant is considered likely benign or benign based on one or more of the following criteria: it is a conservative change, it occurs at a poorly conserved position in the protein, it is predicted to be benign by multiple in silico algorithms, and/or has population frequency not consistent with disease.

PreventionGenetics, part of Exact Sciences
Classification: Likely benign for LAMA4-related condition. Last evaluated: 2023-12-11. Review status: no assertion criteria provided. Collection method: clinical testing. Allele origin: germline. Not counted in ClinVar's aggregate classification.
Comment: This variant is classified as likely benign based on ACMG/AMP sequence variant interpretation guidelines (Richards et al. 2015 PMID: 25741868, with internal and published modifications).

Clinical Genetics DNA and cytogenetics Diagnostics Lab, Erasmus MC, Erasmus Medical Center
Classification: Likely benign. Review status: no assertion criteria provided. Collection method: clinical testing. Allele origin: germline. Affected: yes. Study: VKGL Data-share Consensus. Not counted in ClinVar's aggregate classification.

Clinical Genetics, Academic Medical Center
Classification: Benign. Review status: no assertion criteria provided. Collection method: clinical testing. Allele origin: germline. Affected: yes. Study: VKGL Data-share Consensus. Not counted in ClinVar's aggregate classification.

Diagnostic Laboratory, Department of Genetics, University Medical Center Groningen
Classification: Likely benign. Review status: no assertion criteria provided. Collection method: clinical testing. Allele origin: germline. Affected: yes. Study: VKGL Data-share Consensus. Not counted in ClinVar's aggregate classification.